The following is an entry in ClinVar:

NM_000179.3(MSH6):c.628-9G>T

Gene: MSH6 (mutS homolog 6; plus strand). Cytogenetic location: 2p16.3.
Variant type: single nucleotide variant.
Coding change: c.628-9G>T on transcript NM_000179.3 (MANE Select); 9 bases into the intron before coding-DNA position 628, G replaced by T.
Molecular consequence: intron variant.
Genome position (GRCh38, 1-based): chr2:47,798,602, G>T. VCF-style: chr2-47798602-G-T. GRCh37 (hg19) VCF-style: chr2-48025741-G-T.
Other names: c.-279-9G>T (NM_001281493.2); c.238-9G>T (NM_001281492.2); c.-275-13G>T (NM_001281494.2).
Identifiers: ClinVar variation 455336 (VCV000455336.12), dbSNP rs748816043, ClinGen allele CA658655701.
Genomic context (GRCh38, chr2:47,798,602, plus strand): 5'-TTGAACTGTCTTACATTATGGTTTTCCAAATTTTGATTTGTTTTTAAATACTCTTTCCTT[G>T]CCTGGCAGGTAGGCACAACTTACGTAACAGATAAGAGTGAAGAAGATAATGAAATTGAGA-3'

ClinVar aggregate classification (germline): Likely benign. Review status: criteria provided, multiple submitters, no conflicts (2 of 4 stars). 2 submissions from 2 submitters: Likely benign (2). Last evaluated 2024-12-19.

Conditions:
Hereditary nonpolyposis colorectal neoplasms. Identifiers: MedGen C0009405, MeSH D003123.
Lynch syndrome 5 (LYNCH5). Also called: Colorectal cancer, hereditary nonpolyposis, type 5; Hereditary non-polyposis colorectal cancer, type 5. Identifiers: Orphanet 144, MedGen C1833477, MONDO:0013710, OMIM 614350. Disease mechanism: loss of function.

Submissions (2):

Myriad Genetics, Inc.
Classification: Likely benign for Lynch syndrome 5. Last evaluated: 2024-12-19. Review status: criteria provided, single submitter. Criteria: Myriad Autosomal Dominant, Autosomal Recessive and X-Linked Classification Criteria (2023). Collection method: clinical testing. Allele origin: unknown.
Comment: This variant is considered likely benign. This variant is intronic and is not expected to impact mRNA splicing.

Labcorp Genetics (formerly Invitae), Labcorp
Classification: Likely benign for Hereditary nonpolyposis colorectal neoplasms. Last evaluated: 2022-09-19. Review status: criteria provided, single submitter. Criteria: Invitae Variant Classification Sherloc (09022015). Collection method: clinical testing. Allele origin: germline.